The following is an entry in ClinVar:

NM_001034116.2(EIF2B4):c.1310G>T (p.Cys437Phe)

Genes: EIF2B4 (eukaryotic translation initiation factor 2B subunit delta; minus strand), GTF3C2-AS2 (GTF3C2 antisense RNA 2; plus strand). Cytogenetic location: 2p23.3.
Variant type: single nucleotide variant.
Coding change: c.1310G>T on transcript NM_001034116.2 (MANE Select); coding-DNA position 1310, G replaced by T.
Protein change: p.Cys437Phe; replaces cysteine 437 with phenylalanine.
Molecular consequence: missense variant.
Genome position (GRCh38, 1-based): chr2:27,364,780, C>A on the plus strand (G>T on the coding strand, the complement: EIF2B4 is on the minus strand). VCF-style: chr2-27364780-C-A. GRCh37 (hg19) VCF-style: chr2-27587647-C-A.
Other names: c.1373G>T, p.Cys458Phe (NM_001318965.2); c.1265G>T, p.Cys422Phe (NM_001318966.2); c.1217G>T, p.Cys406Phe (NM_001318967.2); c.725G>T, p.Cys242Phe (NM_001318968.2); c.692G>T, p.Cys231Phe (NM_001318969.2); c.1307G>T, p.Cys436Phe (NM_015636.4); c.1370G>T, p.Cys457Phe (NM_172195.4); short protein forms C436F, C437F, C242F, C457F, C458F, C422F, C231F, C406F.
Identifiers: ClinVar variation 335535 (VCV000335535.9), dbSNP rs886055900, ClinGen allele CA10614899.
Genomic context (GRCh38, chr2:27,364,780, plus strand): 5'-AGCTCATTAGAGACAAAGGCATCAGTCTGCACACGCTCACAGAACTTGTATGTTTCACAG[C>A]AAACCAGCACTGGTACATTATGGGCTCGAGCCACCAGGGCTAACTGTGCTGTCCCTACCC-3'
Protein context (NP_001029288.1, residues 427-447): ARAHNVPVLV[Cys437Phe]CETYKFCERV

ClinVar aggregate classification (germline): Uncertain significance. Review status: criteria provided, multiple submitters, no conflicts (2 of 4 stars). 2 submissions from 2 submitters: Uncertain significance (2). Last evaluated 2022-05-08.

Conditions:
Vanishing white matter disease. Also called: CACH syndrome; Childhood ataxia with diffuse central nervous system hypomyelination; Leukoencephalopathy with vanishing white matter; CACH/VWM syndrome; Cree leukoencehalopathy. Identifiers: Orphanet 135, Orphanet 99853, MedGen C1858991, MONDO:0800448.

gnomAD v4.1: 2 of 1,614,192 alleles (0.00012%); highest among the groups gnomAD compares: Non-Finnish European, 0.00017%; no homozygotes.

Submissions (2):

Labcorp Genetics (formerly Invitae), Labcorp
Classification: Uncertain significance. Last evaluated: 2022-05-08. Review status: criteria provided, single submitter. Criteria: Invitae Variant Classification Sherloc (09022015). Collection method: clinical testing. Allele origin: germline.
Comment: In summary, the available evidence is currently insufficient to determine the role of this variant in disease. Therefore, it has been classified as a Variant of Uncertain Significance. Algorithms developed to predict the effect of missense changes on protein structure and function are either unavailable or do not agree on the potential impact of this missense change (SIFT: "Deleterious"; PolyPhen-2: "Probably Damaging"; Align-GVGD: "Class C0"). ClinVar contains an entry for this variant (Variation ID: 335535). This variant has not been reported in the literature in individuals affected with EIF2B4-related conditions. This variant is not present in population databases (gnomAD no frequency). This sequence change replaces cysteine, which is neutral and slightly polar, with phenylalanine, which is neutral and non-polar, at codon 436 of the EIF2B4 protein (p.Cys436Phe).

Illumina Laboratory Services, Illumina
Classification: Uncertain significance for Leukoencephalopathy with vanishing white matter 1. Last evaluated: 2018-01-13. Review status: criteria provided, single submitter. Criteria: ICSL Variant Classification Criteria 13 December 2019. Collection method: clinical testing. Allele origin: germline.